The following is an entry in ClinVar:

NM_001009999.3(KDM1A):c.481G>A (p.Glu161Lys)

Gene: KDM1A (lysine demethylase 1A; plus strand). Cytogenetic location: 1p36.12.
Variant type: single nucleotide variant.
Coding change: c.481G>A on transcript NM_001009999.3 (MANE Select); coding-DNA position 481, G replaced by A.
Protein change: p.Glu161Lys; replaces glutamic acid 161 with lysine.
Molecular consequence: missense variant.
Genome position (GRCh38, 1-based): chr1:23,030,598, G>A. VCF-style: chr1-23030598-G-A. GRCh37 (hg19) VCF-style: chr1-23357091-G-A.
Other names: c.481G>A, p.Glu161Lys (NM_001363654.2, NM_001410762.1, NM_001410763.1 and 1 more transcripts); short protein forms E161K.
Identifiers: ClinVar variation 4042109 (VCV004042109.1).

ClinVar aggregate classification (germline): Uncertain significance (1 of 4 stars; one submission).

Conditions:
Inborn genetic diseases. Identifiers: MedGen C0950123, MeSH D030342.

Submission:

Ambry Genetics
Classification: Uncertain significance for Inborn genetic diseases. Last evaluated: 2025-04-18. Review status: criteria provided, single submitter. Criteria: Ambry Variant Classification Scheme 2023. Collection method: clinical testing. Allele origin: germline.
Comment: The p.E161K variant (also known as c.481G>A), located in coding exon 2 of the KDM1A gene, results from a G to A substitution at nucleotide position 481. The glutamic acid at codon 161 is replaced by lysine, an amino acid with similar properties. This amino acid position is conserved. In addition, this alteration is predicted to be tolerated by in silico analysis. Based on the available evidence, the clinical significance of this variant remains unclear.